The following is an entry in ClinVar:

ClinVar aggregate classification (germline): Uncertain significance (1 of 4 stars; one submission).

Conditions:
Pseudohypoaldosteronism type 2C (PHA2C). Also called: Pseudohypoaldosteronism Type IIC. Identifiers: Orphanet 757, Orphanet 88940, MedGen C1840391, MONDO:0013778, OMIM 614492.
Neuropathy, hereditary sensory and autonomic, type 2A (HSAN2A). Also called: MORVAN DISEASE; NEUROPATHY, CONGENITAL SENSORY; NEUROPATHY, HEREDITARY SENSORY RADICULAR, AUTOSOMAL RECESSIVE; NEUROPATHY, HEREDITARY SENSORY, TYPE IIA; NEUROPATHY, PROGRESSIVE SENSORY, OF CHILDREN; WNK1-Related HSAN2 (HSAN2A). Identifiers: Orphanet 970, MedGen C2752089, MONDO:0024309, OMIM 201300.

Allele frequency attached by ClinVar (database versions not stated): ExAC 0.00001; gnomAD 0.00001; TOPMed 0.00001; ESP Exome Variant Server 0.00008.
gnomAD v4.1: 24 of 1,606,016 alleles (0.0015%); highest among the groups gnomAD compares: Non-Finnish European, 0.002%; no homozygotes.

Submission:

Labcorp Genetics (formerly Invitae), Labcorp
Classification: Uncertain significance for Neuropathy, hereditary sensory and autonomic, type 2A; Pseudohypoaldosteronism type 2C. Last evaluated: 2022-09-20. Review status: criteria provided, single submitter. Criteria: Invitae Variant Classification Sherloc (09022015). Collection method: clinical testing. Allele origin: germline.
Comment: Advanced modeling of protein sequence and biophysical properties (such as structural, functional, and spatial information, amino acid conservation, physicochemical variation, residue mobility, and thermodynamic stability) performed at Invitae indicates that this missense variant is not expected to disrupt WNK1 protein function. ClinVar contains an entry for this variant (Variation ID: 846797). This variant has not been reported in the literature in individuals affected with WNK1-related conditions. This variant is present in population databases (rs374559191, gnomAD 0.0009%). This sequence change replaces proline, which is neutral and non-polar, with threonine, which is neutral and polar, at codon 2007 of the WNK1 protein (p.Pro2007Thr). In summary, the available evidence is currently insufficient to determine the role of this variant in disease. Therefore, it has been classified as a Variant of Uncertain Significance.

NM_018979.4(WNK1):c.5263C>A (p.Pro1755Thr)

Gene: WNK1 (WNK lysine deficient protein kinase 1; plus strand). Cytogenetic location: 12p13.33.
Variant type: single nucleotide variant.
Coding change: c.5263C>A on transcript NM_018979.4 (MANE Select); coding-DNA position 5263, C replaced by A.
Protein change: p.Pro1755Thr; replaces proline 1755 with threonine.
Molecular consequence: missense variant.
Genome position (GRCh38, 1-based): chr12:886,067, C>A. VCF-style: chr12-886067-C-A. GRCh37 (hg19) VCF-style: chr12-995233-C-A.
Other names: c.6043C>A, p.Pro2015Thr (NM_001184985.2); c.4522C>A, p.Pro1508Thr (NM_014823.3); c.6019C>A, p.Pro2007Thr (NM_213655.5); short protein forms P1508T, P2007T, P2015T, P1755T.
Identifiers: ClinVar variation 846797 (VCV000846797.9), dbSNP rs374559191, ClinGen allele CA6383098.
Genomic context (GRCh38, chr12:886,067, plus strand): 5'-TCTACCCCAGTCAGCACTACTACATCAGGAGTGAAACCTGGAACTGCTCCCTCCAAGCCA[C>A]CTCTAACTAAGGCTCCGGTAAAATTATTGTTATAAAATAATTAGATAAATATGATCAGTT-3'
Protein context (NP_061852.3, residues 1745-1765): VKPGTAPSKP[Pro1755Thr]LTKAPVLPVG